The following is an entry in ClinVar:

NM_015559.3(SETBP1):c.1061G>C (p.Trp354Ser)

Gene: SETBP1 (SET binding protein 1; plus strand). Cytogenetic location: 18q12.3.
Variant type: single nucleotide variant.
Coding change: c.1061G>C on transcript NM_015559.3 (MANE Select); coding-DNA position 1061, G replaced by C.
Protein change: p.Trp354Ser; replaces tryptophan 354 with serine.
Molecular consequence: missense variant.
Genome position (GRCh38, 1-based): chr18:44,950,401, G>C. VCF-style: chr18-44950401-G-C. GRCh37 (hg19) VCF-style: chr18-42530366-G-C.
Other names: c.1061G>C, p.Trp354Ser (NM_001379141.1, NM_001379142.1, NM_001410862.1); short protein forms W354S.
Identifiers: ClinVar variation 2793066 (VCV002793066.3), dbSNP rs2511466132, ClinGen allele CA402317618.

ClinVar aggregate classification (germline): Uncertain significance (1 of 4 stars; one submission).

Allele frequency attached by ClinVar (database versions not stated): gnomAD exomes below 0.00001.
gnomAD v4.1: 2 of 1,614,136 alleles (0.00012%); highest among the groups gnomAD compares: South Asian, 0.0011%; no homozygotes.

Submission:

Labcorp Genetics (formerly Invitae), Labcorp
Classification: Uncertain significance. Last evaluated: 2023-02-23. Review status: criteria provided, single submitter. Criteria: Invitae Variant Classification Sherloc (09022015). Collection method: clinical testing. Allele origin: germline.
Comment: This sequence change replaces tryptophan, which is neutral and slightly polar, with serine, which is neutral and polar, at codon 354 of the SETBP1 protein (p.Trp354Ser). This variant is not present in population databases (gnomAD no frequency). This variant has not been reported in the literature in individuals affected with SETBP1-related conditions. Advanced modeling of protein sequence and biophysical properties (such as structural, functional, and spatial information, amino acid conservation, physicochemical variation, residue mobility, and thermodynamic stability) performed at Invitae indicates that this missense variant is not expected to disrupt SETBP1 protein function. In summary, the available evidence is currently insufficient to determine the role of this variant in disease. Therefore, it has been classified as a Variant of Uncertain Significance.